The following is an entry in ClinVar:

ClinVar aggregate classification (germline): Pathogenic (1 of 4 stars; one submission).

Conditions:
Neurofibromatosis, type 1 (NF1). Also called: VON RECKLINGHAUSEN DISEASE; Peripheral type neurofibromatosis; Neurofibromatosis, type I; NEUROFIBROMATOSIS, TYPE I, SOMATIC. Identifiers: Orphanet 636, MedGen C0027831, MONDO:0018975, OMIM 162200. Disease mechanism: loss of function.

Submission:

MVZ Dr. Eberhard & Partner Dortmund
Classification: Pathogenic for Neurofibromatosis, type 1. Last evaluated: 2023-08-21. Review status: criteria provided, single submitter. Criteria: ACMG Guidelines, 2015. Collection method: clinical testing. Allele origin: unknown. Affected: yes. Observed: 1 heterozygote.
Comment: This variant was absent from variant databases and control databases. The nucleotide change at that position is supposed to lead to a premature stop codon. Therefore the mutation is a null variant in a gene where loss of function is a known mechanism of disease.

NM_001042492.3(NF1):c.5365G>T (p.Glu1789Ter)

Gene: NF1 (neurofibromin 1; plus strand). Cytogenetic location: 17q11.2.
Variant type: single nucleotide variant.
Coding change: c.5365G>T on transcript NM_001042492.3 (MANE Select); coding-DNA position 5365, G replaced by T.
Protein change: p.Glu1789Ter; replaces glutamic acid 1789 with a stop codon.
Molecular consequence: nonsense.
Genome position (GRCh38, 1-based): chr17:31,327,595, G>T. VCF-style: chr17-31327595-G-T. GRCh37 (hg19) VCF-style: chr17-29654613-G-T.
Other names: c.5302G>T, p.Glu1768Ter (NM_000267.4); short protein forms E1768*, E1789*.
Identifiers: ClinVar variation 2775414 (VCV002775414.2), dbSNP rs1555533571, ClinGen allele CA399009273.